The following is an entry in ClinVar:

ClinVar aggregate classification (germline): Benign/Likely benign. Review status: criteria provided, multiple submitters, no conflicts (2 of 4 stars). 4 submissions from 4 submitters: Benign (1); Likely benign (3). Last evaluated 2025-10-23.

Conditions:
Hereditary cancer-predisposing syndrome. Also called: Tumor predisposition; Neoplastic Syndromes, Hereditary; Hereditary Cancer Syndrome; Hereditary neoplastic syndrome. Identifiers: Orphanet 140162, MedGen C0027672, MeSH D009386, MONDO:0015356.
Peutz-Jeghers syndrome (PJS). Also called: POLYPOSIS, HAMARTOMATOUS INTESTINAL; POLYPS-AND-SPOTS SYNDROME; Peutz-Jeghers polyposis; Periorificial lentiginosis syndrome. Identifiers: Orphanet 2869, MedGen C0031269, MeSH D010580, MONDO:0008280, OMIM 175200.

Allele frequency attached by ClinVar (database versions not stated): TOPMed below 0.00001.

Submissions (4):

Labcorp Genetics (formerly Invitae), Labcorp
Classification: Likely benign for Peutz-Jeghers syndrome. Last evaluated: 2025-10-23. Review status: criteria provided, single submitter. Criteria: Invitae Variant Classification Sherloc (09022015). Collection method: clinical testing. Allele origin: germline.

Myriad Genetics, Inc.
Classification: Benign for Peutz-Jeghers syndrome. Last evaluated: 2025-03-24. Review status: criteria provided, single submitter. Criteria: Myriad Autosomal Dominant, Autosomal Recessive and X-Linked Classification Criteria (2023). Collection method: clinical testing. Allele origin: unknown.
Comment: This variant is considered benign. This variant is a silent/synonymous amino acid change and it is not expected to impact splicing.

Ambry Genetics
Classification: Likely benign for Hereditary cancer-predisposing syndrome. Last evaluated: 2018-11-27. Review status: criteria provided, single submitter. Criteria: Ambry Variant Classification Scheme 2023. Collection method: clinical testing. Allele origin: germline.

Color Diagnostics, LLC DBA Color Health
Classification: Likely benign for Hereditary cancer-predisposing syndrome. Last evaluated: 2017-05-04. Review status: criteria provided, single submitter. Criteria: ACMG Guidelines, 2015. Collection method: clinical testing. Allele origin: germline.

NM_000455.5(STK11):c.93C>A (p.Ser31=)

Gene: STK11 (serine/threonine kinase 11; plus strand). Cytogenetic location: 19p13.3.
Variant type: single nucleotide variant.
Coding change: c.93C>A on transcript NM_000455.5 (MANE Select); coding-DNA position 93, C replaced by A.
Protein change: p.Ser31=; no amino-acid change (serine 31 retained).
Molecular consequence: synonymous variant.
Genome position (GRCh38, 1-based): chr19:1,207,006, C>A. VCF-style: chr19-1207006-C-A. GRCh37 (hg19) VCF-style: chr19-1207005-C-A.
Identifiers: ClinVar variation 492568 (VCV000492568.17), dbSNP rs775258601, ClinGen allele CA504706112.
Genomic context (GRCh38, chr19:1,207,006, plus strand): 5'-GTTCACGGAGGGCGAGCTGATGTCGGTGGGTATGGACACGTTCATCCACCGCATCGACTC[C>A]ACCGAGGTCATCTACCAGCCGCGCCGCAAGCGGGCCAAGCTCATCGGCAAGTACCTGATG-3'
Protein context (NP_000446.1, residues 21-41): GMDTFIHRID[Ser31=]TEVIYQPRRK